The following is an entry in ClinVar:

ClinVar aggregate classification (germline): Uncertain significance (1 of 4 stars; one submission).

Allele frequency attached by ClinVar (database versions not stated): gnomAD exomes below 0.00001; gnomAD 0.00001.
gnomAD v4.1: 4 of 1,614,060 alleles (0.00025%); highest among the groups gnomAD compares: Admixed American, 0.0067%; no homozygotes.

Submission:

Ambry Genetics
Classification: Uncertain significance. Last evaluated: 2025-07-28. Review status: criteria provided, single submitter. Criteria: Ambry Variant Classification Scheme 2023. Collection method: clinical testing. Allele origin: germline.
Comment: The p.S372T variant (also known as c.1114T>A), located in coding exon 6 of the GALNT12 gene, results from a T to A substitution at nucleotide position 1114. The serine at codon 372 is replaced by threonine, an amino acid with similar properties. This amino acid position is conserved. In addition, this alteration is predicted to be tolerated by in silico analysis. Since supporting evidence is limited at this time, the clinical significance of this alteration remains unclear.

NM_024642.5(GALNT12):c.1114T>A (p.Ser372Thr)

Gene: GALNT12 (polypeptide N-acetylgalactosaminyltransferase 12; plus strand). Cytogenetic location: 9q22.33.
Variant type: single nucleotide variant.
Coding change: c.1114T>A on transcript NM_024642.5 (MANE Select); coding-DNA position 1114, T replaced by A.
Protein change: p.Ser372Thr; replaces serine 372 with threonine.
Molecular consequence: missense variant.
Genome position (GRCh38, 1-based): chr9:98,837,050, T>A. VCF-style: chr9-98837050-T-A. GRCh37 (hg19) VCF-style: chr9-101599332-T-A.
Other names: short protein forms S372T.
Identifiers: ClinVar variation 2447046 (VCV002447046.3), dbSNP rs1836170211, ClinGen allele CA374219823.